The following is an entry in ClinVar:

ClinVar aggregate classification (germline): Benign/Likely benign. Review status: criteria provided, multiple submitters, no conflicts (2 of 4 stars). 3 submissions from 3 submitters: Benign (1); Likely benign (1). 1 of the submissions does not count toward it. Last evaluated 2026-01-08.

Conditions:
KIF2A-related disorder. Also called: KIF2A-related condition.

Allele frequency attached by ClinVar (database versions not stated): gnomAD exomes 0.00022; ExAC 0.00027; ESP Exome Variant Server 0.00034; gnomAD 0.00036 and 0.00040; TOPMed 0.00040; 1000 Genomes Project 0.00060; 1000 Genomes Project 30x 0.00062.
gnomAD v4.1: 472 of 1,604,248 alleles (0.029%); highest among the groups gnomAD compares: Middle Eastern, 0.12%; no homozygotes.

Submissions (3):

Labcorp Genetics (formerly Invitae), Labcorp
Classification: Likely benign. Last evaluated: 2026-01-08. Review status: criteria provided, single submitter. Criteria: Invitae Variant Classification Sherloc (09022015). Collection method: clinical testing. Allele origin: germline.

GeneDx
Classification: Benign. Last evaluated: 2021-04-27. Review status: criteria provided, single submitter. Criteria: GeneDx Variant Classification Process June 2021. Collection method: clinical testing. Allele origin: germline. Affected: yes.

PreventionGenetics, part of Exact Sciences
Classification: Likely benign for KIF2A-related condition. Last evaluated: 2022-11-21. Review status: no assertion criteria provided. Collection method: clinical testing. Allele origin: germline. Not counted in ClinVar's aggregate classification.
Comment: This variant is classified as likely benign based on ACMG/AMP sequence variant interpretation guidelines (Richards et al. 2015 PMID: 25741868, with internal and published modifications).

NM_001098511.3(KIF2A):c.1737C>T (p.Asp579=)

Gene: KIF2A (kinesin family member 2A; plus strand). Cytogenetic location: 5q12.1.
Variant type: single nucleotide variant.
Coding change: c.1737C>T on transcript NM_001098511.3 (MANE Select); coding-DNA position 1737, C replaced by T.
Protein change: p.Asp579=; no amino-acid change (aspartic acid 579 retained).
Molecular consequence: synonymous variant. On other transcripts: intron variant (3).
Genome position (GRCh38, 1-based): chr5:62,372,528, C>T. VCF-style: chr5-62372528-C-T. GRCh37 (hg19) VCF-style: chr5-61668355-C-T.
Other names: c.1566-1159C>T (NM_001243952.2); c.1647-1159C>T (NM_004520.5); c.1590-1159C>T (NM_001243953.2).
Identifiers: ClinVar variation 721107 (VCV000721107.14), dbSNP rs200042213, ClinGen allele CA3279035.
Genomic context (GRCh38, chr5:62,372,528, plus strand): 5'-CATTCCCTTCTCACAGGGTAGTGGCAGTCGCCCTGATCTCTCTCCTTCTTATGAATATGA[C>T]GACTTTTCTCCTTCAGTTACCAGGTCTACTTCATTCTATACATAAGATGTTTATTTGTAT-3'
Protein context (NP_001091981.1, residues 569-589): RPDLSPSYEY[Asp579=]DFSPSVTRVK